The following is an entry in ClinVar:

NM_001830.4(CLCN4):c.2081G>A (p.Arg694Gln)

Gene: CLCN4 (chloride voltage-gated channel 4; plus strand). Cytogenetic location: Xp22.2.
Variant type: single nucleotide variant.
Coding change: c.2081G>A on transcript NM_001830.4 (MANE Select); coding-DNA position 2081, G replaced by A.
Protein change: p.Arg694Gln; replaces arginine 694 with glutamine.
Molecular consequence: missense variant.
Genome position (GRCh38, 1-based): chrX:10,220,766, G>A. VCF-style: chrX-10220766-G-A. GRCh37 (hg19) VCF-style: chrX-10188806-G-A.
Other names: c.1799G>A, p.Arg600Gln (NM_001256944.2); c.2081G>A (NM_001830.3); short protein forms R694Q, R600Q.
Identifiers: ClinVar variation 2147660 (VCV002147660.5), dbSNP rs760042887, ClinGen allele CA10347338.
Genomic context (GRCh38, chrX:10,220,766, plus strand): 5'-TGTACTTCACGGAGGAACCCCCCGAGCTGCCGGCCAACAGCCCACATCCCCTGAAGCTGC[G>A]GCGCATCCTGAACCTCAGCCCGTTTACAGTGACAGACCACACTCCGATGGAAACGGTGGT-3'
Protein context (NP_001821.2, residues 684-704): PANSPHPLKL[Arg694Gln]RILNLSPFTV

ClinVar aggregate classification (germline): Uncertain significance. Review status: criteria provided, multiple submitters, no conflicts (2 of 4 stars). 2 submissions from 2 submitters: Uncertain significance (2). Last evaluated 2023-09-17.

Allele frequency attached by ClinVar (database versions not stated): gnomAD 0.00001; gnomAD exomes 0.00001; ExAC 0.00002; TOPMed 0.00002.
gnomAD v4.1: 8 of 1,209,701 alleles (0.00066%); highest among the groups gnomAD compares: South Asian, 0.0035%; no homozygotes.

Submissions (2):

Labcorp Genetics (formerly Invitae), Labcorp
Classification: Uncertain significance. Last evaluated: 2023-09-17. Review status: criteria provided, single submitter. Criteria: Invitae Variant Classification Sherloc (09022015). Collection method: clinical testing. Allele origin: germline.
Comment: In summary, the available evidence is currently insufficient to determine the role of this variant in disease. Therefore, it has been classified as a Variant of Uncertain Significance. Advanced modeling of protein sequence and biophysical properties (such as structural, functional, and spatial information, amino acid conservation, physicochemical variation, residue mobility, and thermodynamic stability) has been performed at Invitae for this missense variant, however the output from this modeling did not meet the statistical confidence thresholds required to predict the impact of this variant on CLCN4 protein function. ClinVar contains an entry for this variant (Variation ID: 2147660). This variant has not been reported in the literature in individuals affected with CLCN4-related conditions. This variant is present in population databases (rs760042887, gnomAD 0.005%). This sequence change replaces arginine, which is basic and polar, with glutamine, which is neutral and polar, at codon 694 of the CLCN4 protein (p.Arg694Gln).

GeneDx
Classification: Uncertain significance. Last evaluated: 2023-03-16. Review status: criteria provided, single submitter. Criteria: GeneDx Variant Classification Process June 2021. Collection method: clinical testing. Allele origin: germline. Affected: yes.
Comment: In silico analysis supports that this missense variant does not alter protein structure/function; Has not been previously published as pathogenic or benign to our knowledge